The following is an entry in ClinVar:

NM_001388492.1(HTT):c.5335C>G (p.Leu1779Val)

Gene: HTT (huntingtin; plus strand). Cytogenetic location: 4p16.3.
Variant type: single nucleotide variant.
Coding change: c.5335C>G on transcript NM_001388492.1 (MANE Select); coding-DNA position 5335, C replaced by G.
Protein change: p.Leu1779Val; replaces leucine 1779 with valine.
Molecular consequence: missense variant.
Genome position (GRCh38, 1-based): chr4:3,189,060, C>G. VCF-style: chr4-3189060-C-G. GRCh37 (hg19) VCF-style: chr4-3190787-C-G.
Other names: c.5341C>G, p.Leu1781Val (NM_002111.8); short protein forms L1779V, L1781V.
Identifiers: ClinVar variation 1442908 (VCV001442908.6), dbSNP rs2110250005, ClinGen allele CA356073968.

ClinVar aggregate classification (germline): Uncertain significance (1 of 4 stars; one submission).

Allele frequency attached by ClinVar (database versions not stated): gnomAD exomes below 0.00001.
gnomAD v4.1: 2 of 1,614,094 alleles (0.00012%); highest among the groups gnomAD compares: Non-Finnish European, 0.00017%; no homozygotes.

Submission:

Labcorp Genetics (formerly Invitae), Labcorp
Classification: Uncertain significance. Last evaluated: 2021-04-11. Review status: criteria provided, single submitter. Criteria: Invitae Variant Classification Sherloc (09022015). Collection method: clinical testing. Allele origin: germline.
Comment: This variant has not been reported in the literature in individuals with HTT-related conditions. In summary, the available evidence is currently insufficient to determine the role of this variant in disease. Therefore, it has been classified as a Variant of Uncertain Significance. Experimental studies and prediction algorithms are not available or were not evaluated, and the functional significance of this variant is currently unknown. This variant is not present in population databases (ExAC no frequency). This sequence change replaces leucine with valine at codon 1781 of the HTT protein (p.Leu1781Val). The leucine residue is highly conserved and there is a small physicochemical difference between leucine and valine.